The following is an entry in ClinVar:

ClinVar aggregate classification (germline): Uncertain significance. Review status: criteria provided, multiple submitters, no conflicts (2 of 4 stars). 2 submissions from 2 submitters: Uncertain significance (2). Last evaluated 2025-06-18.

Allele frequency attached by ClinVar (database versions not stated): gnomAD 0.00003; gnomAD exomes 0.00003; ExAC 0.00004.

Submissions (2):

Ambry Genetics
Classification: Uncertain significance. Last evaluated: 2025-06-18. Review status: criteria provided, single submitter. Criteria: Ambry Variant Classification Scheme 2023. Collection method: clinical testing. Allele origin: germline.

Labcorp Genetics (formerly Invitae), Labcorp
Classification: Uncertain significance. Last evaluated: 2022-10-17. Review status: criteria provided, single submitter. Criteria: Invitae Variant Classification Sherloc (09022015). Collection method: clinical testing. Allele origin: germline.
Comment: This sequence change replaces arginine, which is basic and polar, with histidine, which is basic and polar, at codon 129 of the OVOL2 protein (p.Arg129His). This variant is present in population databases (rs748722687, gnomAD 0.03%). This variant has not been reported in the literature in individuals affected with OVOL2-related conditions. Algorithms developed to predict the effect of missense changes on protein structure and function are either unavailable or do not agree on the potential impact of this missense change (SIFT: "Tolerated"; PolyPhen-2: "Probably Damaging"; Align-GVGD: "Class C0"). In summary, the available evidence is currently insufficient to determine the role of this variant in disease. Therefore, it has been classified as a Variant of Uncertain Significance.

NM_021220.4(OVOL2):c.386G>A (p.Arg129His)

Gene: OVOL2 (ovo like zinc finger 2; minus strand). Cytogenetic location: 20p11.23.
Variant type: single nucleotide variant.
Coding change: c.386G>A on transcript NM_021220.4 (MANE Select); coding-DNA position 386, G replaced by A.
Protein change: p.Arg129His; replaces arginine 129 with histidine.
Molecular consequence: missense variant. On other transcripts: 5 prime UTR variant (2).
Genome position (GRCh38, 1-based): chr20:18,041,659, C>T on the plus strand (G>A on the coding strand, the complement: OVOL2 is on the minus strand). VCF-style: chr20-18041659-C-T. GRCh37 (hg19) VCF-style: chr20-18022303-C-T.
Other names: c.-11G>A (NM_001303461.1, NM_001303462.1); c.386G>A (NM_021220.2); short protein forms R129H.
Identifiers: ClinVar variation 2180172 (VCV002180172.5), dbSNP rs748722687, ClinGen allele CA9775232.